The following is an entry in ClinVar:

ClinVar aggregate classification (germline): Uncertain significance (1 of 4 stars; one submission).

Conditions:
Hereditary pancreatitis (PCTT). Also called: PRSS1-Related Hereditary Pancreatitis; Hereditary chronic pancreatitis. Identifiers: Orphanet 676, MedGen C0238339, MONDO:0008185, OMIM 167800.

gnomAD v4.1: 21 of 1,614,016 alleles (0.0013%); highest among the groups gnomAD compares: Admixed American, 0.02%; no homozygotes.

Submission:

Ambry Genetics
Classification: Uncertain significance for Hereditary pancreatitis. Last evaluated: 2024-04-18. Review status: criteria provided, single submitter. Criteria: Ambry Variant Classification Scheme 2023. Collection method: clinical testing. Allele origin: germline.
Comment: The p.I24L variant (also known as c.70A>C), located in coding exon 2 of the PRSS1 gene, results from an A to C substitution at nucleotide position 70. The isoleucine at codon 24 is replaced by leucine, an amino acid with highly similar properties. This amino acid position is highly conserved in available vertebrate species. In addition, this alteration is predicted to be deleterious by in silico analysis. Based on the available evidence, the clinical significance of this variant remains unclear.

NM_002769.5(PRSS1):c.70A>C (p.Ile24Leu)

Genes: PRSS1 (serine protease 1; plus strand), TRB (T cell receptor beta locus; plus strand). Cytogenetic location: 7q34.
Variant type: single nucleotide variant.
Coding change: c.70A>C on transcript NM_002769.5 (MANE Select); coding-DNA position 70, A replaced by C.
Protein change: p.Ile24Leu; replaces isoleucine 24 with leucine.
Molecular consequence: missense variant. On other transcripts: non-coding transcript variant (2).
Genome position (GRCh38, 1-based): chr7:142,750,584, A>C. VCF-style: chr7-142750584-A-C. GRCh37 (hg19) VCF-style: chr7-142458435-A-C.
Other names: short protein forms I24L.
Identifiers: ClinVar variation 3310627 (VCV003310627.1).